The following is an entry in ClinVar:

NM_001844.5(COL2A1):c.1823A>C (p.Lys608Thr)

Gene: COL2A1 (collagen type II alpha 1 chain; minus strand). Cytogenetic location: 12q13.11.
Variant type: single nucleotide variant.
Coding change: c.1823A>C on transcript NM_001844.5 (MANE Select); coding-DNA position 1823, A replaced by C.
Protein change: p.Lys608Thr; replaces lysine 608 with threonine.
Molecular consequence: missense variant.
Genome position (GRCh38, 1-based): chr12:47,985,005, T>G on the plus strand (A>C on the coding strand, the complement: COL2A1 is on the minus strand). VCF-style: chr12-47985005-T-G. GRCh37 (hg19) VCF-style: chr12-48378788-T-G.
Other names: c.1616A>C, p.Lys539Thr (NM_033150.3); short protein forms K539T, K608T.
Identifiers: ClinVar variation 4882861 (VCV004882861.2).
Genomic context (GRCh38, chr12:47,985,005, plus strand): 5'-AGGTAGGTAGCACCACATGGAAGGAAATAGAAGAGCAAATTATTACTTACGTTGGCACCT[T>G]TGGGGCCAGGGAAACCCATGACACCAGGCTGCCCACGAGCCCCCTGAGGACCTGGAGGTC-3'
Protein context (NP_001835.3, residues 598-618): QPGVMGFPGP[Lys608Thr]GANGEPGKAG

ClinVar aggregate classification (germline): Uncertain significance (1 of 4 stars; one submission).

Submission:

Dasa
Classification: Uncertain significance. Last evaluated: 2024-12-29. Review status: criteria provided, single submitter. Criteria: DASA Assertion Criteria. Collection method: clinical testing. Allele origin: germline.
Comment: NM_001844.5(COL2A1):c.1823A>C (p.Lys608Thr) is a missense variant that results in the substitution of lysine with threonine. This variant is absent from population databases. The currently available literature and clinical evidence are not sufficient to establish a definitive association between this variant and the reported condition. Therefore, this variant is classified as a variant of uncertain significance.